The following is an entry in ClinVar:

ClinVar aggregate classification (germline): Uncertain significance (1 of 4 stars; one submission).

Conditions:
Inborn genetic diseases. Identifiers: MedGen C0950123, MeSH D030342.

gnomAD v4.1: 1 of 1,612,866 alleles (0.000062%); highest among the groups gnomAD compares: Non-Finnish European, 0.000085%; no homozygotes.

Submission:

Ambry Genetics
Classification: Uncertain significance for Inborn genetic diseases. Last evaluated: 2026-06-06. Review status: criteria provided, single submitter. Criteria: Ambry Variant Classification Scheme 2023. Collection method: clinical testing. Allele origin: germline.
Comment: The p.G442R variant (also known as c.1324G>C), located in coding exon 9 of the CDH2 gene, results from a G to C substitution at nucleotide position 1324. The glycine at codon 442 is replaced by arginine, an amino acid with dissimilar properties. This amino acid position is conserved. In addition, this alteration is predicted to be deleterious by in silico analysis. Based on the available evidence, the clinical significance of this variant remains unclear.

NM_001792.5(CDH2):c.1324G>C (p.Gly442Arg)

Gene: CDH2 (cadherin 2; minus strand). Cytogenetic location: 18q12.1.
Variant type: single nucleotide variant.
Coding change: c.1324G>C on transcript NM_001792.5 (MANE Select); coding-DNA position 1324, G replaced by C.
Protein change: p.Gly442Arg; replaces glycine 442 with arginine.
Molecular consequence: missense variant.
Genome position (GRCh38, 1-based): chr18:27,992,675, C>G on the plus strand (G>C on the coding strand, the complement: CDH2 is on the minus strand). VCF-style: chr18-27992675-C-G. GRCh37 (hg19) VCF-style: chr18-25572639-C-G.
Other names: c.1231G>C, p.Gly411Arg (NM_001308176.2); short protein forms G411R, G442R.
Identifiers: ClinVar variation 4868425 (VCV004868425.1).
Genomic context (GRCh38, chr18:27,992,675, plus strand): 5'-AGCAGCTGTTGGAGAGATCAGTGGCCCGAGGAACACTTACTTTGACCACGGTGACTAACC[C>G]GTCGTTGCTGTTTGGGTCGGTCTGGATGGCGAACCGTCCAGTAGGATCTCCGCCACTGAT-3'
Protein context (NP_001783.2, residues 432-452): AIQTDPNSND[Gly442Arg]LVTVVKPIDF